The following is an entry in ClinVar:

ClinVar aggregate classification (germline): Likely benign (1 of 4 stars; one submission).

Conditions:
SEC23B-related disorder. Also called: SEC23B-related condition; SEC23B-related disorders.

gnomAD v4.1: 59 of 1,465,650 alleles (0.004%); highest among the groups gnomAD compares: African/African-American, 0.0056%; no homozygotes.

Submission:

PreventionGenetics, part of Exact Sciences
Classification: Likely benign for SEC23B-related condition. Last evaluated: 2025-11-08. Review status: criteria provided, single submitter. Criteria: ACMG Guidelines, 2015. Collection method: clinical testing. Allele origin: germline.
Comment: This variant is classified as likely benign based on ACMG/AMP sequence variant interpretation guidelines (Richards et al. 2015 PMID: 25741868, with internal and published modifications).

NM_006363.6(SEC23B):c.221+38C>T

Gene: SEC23B (SEC23 homolog B, COPII component; plus strand). Cytogenetic location: 20p11.23.
Variant type: single nucleotide variant.
Coding change: c.221+38C>T on transcript NM_006363.6 (MANE Select); 38 bases into the intron after coding-DNA position 221, C replaced by T.
Molecular consequence: intron variant.
Genome position (GRCh38, 1-based): chr20:18,511,094, C>T. VCF-style: chr20-18511094-C-T. GRCh37 (hg19) VCF-style: chr20-18491738-C-T.
Other names: c.221+38C>T (NM_032986.5, NM_001172745.3, NM_032985.6 and 1 more transcripts).
Identifiers: ClinVar variation 4986515 (VCV004986515.1).